The following is an entry in ClinVar:

NM_001162501.2(TNRC6B):c.2991G>A (p.Trp997Ter)

Gene: TNRC6B (trinucleotide repeat containing adaptor 6B; plus strand). Cytogenetic location: 22q13.1.
Variant type: single nucleotide variant.
Coding change: c.2991G>A on transcript NM_001162501.2 (MANE Select); coding-DNA position 2991, G replaced by A.
Protein change: p.Trp997Ter; replaces tryptophan 997 with a stop codon.
Molecular consequence: nonsense.
Genome position (GRCh38, 1-based): chr22:40,273,450, G>A. VCF-style: chr22-40273450-G-A. GRCh37 (hg19) VCF-style: chr22-40669454-G-A.
Other names: c.750G>A, p.Trp250Ter (NM_001024843.2); c.2832G>A, p.Trp944Ter (NM_015088.3); c.2991G>A (NM_001162501.1); short protein forms W250*, W944*, W997*.
Identifiers: ClinVar variation 1176777 (VCV001176777.36), dbSNP rs763492540, ClinGen allele CA411644507.
Genomic context (GRCh38, chr22:40,273,450, plus strand): 5'-CTGTTGCAAAGAGTTAATTCATTCTTTCCTTAAAGATTCCAAATCTATGCAAGACGGCTG[G>A]GGGGAGAGTGACGGGCCAGTCACAGGAGCTCGCCATCCCAGCTGGGAAGAGGAGGAGGAT-3'

ClinVar aggregate classification (germline): Pathogenic/Likely pathogenic. Review status: criteria provided, multiple submitters, no conflicts (2 of 4 stars). 2 submissions from 2 submitters: Pathogenic (1); Likely pathogenic (1). Last evaluated 2024-12-04.

Conditions:
Inborn genetic diseases. Identifiers: MedGen C0950123, MeSH D030342.

Submissions (2):

Ambry Genetics
Classification: Pathogenic for Inborn genetic diseases. Last evaluated: 2024-12-04. Review status: criteria provided, single submitter. Criteria: Ambry Variant Classification Scheme 2023. Collection method: clinical testing. Allele origin: germline.
Comment: The c.2991G>A (p.W997*) alteration, located in exon 7 (coding exon 7) of the TNRC6B gene, consists of a G to A substitution at nucleotide position 2991. This changes the amino acid from a tryptophan (W) to a stop codon at amino acid position 997. This alteration is expected to result in loss of function by premature protein truncation or nonsense-mediated mRNA decay. This variant was not reported in population-based cohorts in the Genome Aggregation Database (gnomAD). Based on the available evidence, this alteration is classified as pathogenic.

CeGaT Center for Human Genetics Tuebingen
Classification: Likely pathogenic. Last evaluated: 2022-06-01. Review status: criteria provided, single submitter. Criteria: CeGaT Center For Human Genetics Tuebingen Variant Classification Criteria Version 2. Collection method: clinical testing. Allele origin: germline. Affected: yes. Observed: 2 variant alleles.